The following is an entry in ClinVar:

ClinVar aggregate classification (germline): Benign. Review status: criteria provided, multiple submitters, no conflicts (2 of 4 stars). 2 submissions from 2 submitters: Benign (2). Last evaluated 2018-01-13.

Conditions:
Neonatal diabetes mellitus with congenital hypothyroidism. Also called: NDH SYNDROME. Identifiers: Orphanet 79118, MedGen C1857775, MONDO:0012436, OMIM 610199.

Allele frequency attached by ClinVar (database versions not stated): gnomAD 0.30904; 1000 Genomes Project 0.98802.

Submissions (2):

Illumina Laboratory Services, Illumina
Classification: Benign for Neonatal diabetes mellitus with congenital hypothyroidism. Last evaluated: 2018-01-13. Review status: criteria provided, single submitter. Criteria: ICSL Variant Classification Criteria 13 December 2019. Collection method: clinical testing. Allele origin: germline.
Comment: This variant was observed in the ICSL laboratory as part of a predisposition screen in an ostensibly healthy population. It had not been previously curated by ICSL or reported in the Human Gene Mutation Database (HGMD: prior to June 1st, 2018), and was therefore a candidate for classification through an automated scoring system. Utilizing variant allele frequency, disease prevalence and penetrance estimates, and inheritance mode, an automated score was calculated to assess if this variant is too frequent to cause the disease. Based on the score and internal cut-off values, a variant classified as benign is not then subjected to further curation. The score for this variant resulted in a classification of benign for this disease.

Breakthrough Genomics
Classification: Benign. Review status: criteria provided, single submitter. Criteria: ACMG Guidelines, 2015. Collection method: not provided. Allele origin: germline. Inheritance: Autosomal recessive inheritance. Affected: yes.

NM_001042413.2(GLIS3):c.*3336A>T

Gene: GLIS3 (GLIS family zinc finger 3; minus strand). Cytogenetic location: 9p24.2.
Variant type: single nucleotide variant.
Coding change: c.*3336A>T on transcript NM_001042413.2 (MANE Select); 3336 bases downstream of the stop codon, A replaced by T.
Molecular consequence: 3 prime UTR variant.
Genome position (GRCh38, 1-based): chr9:3,824,936, T>A on the plus strand (A>T on the coding strand, the complement: GLIS3 is on the minus strand). VCF-style: chr9-3824936-T-A. GRCh37 (hg19) VCF-style: chr9-3824936-T-A.
Other names: c.*3336A>T (NM_152629.4).
Identifiers: ClinVar variation 366895 (VCV000366895.6), dbSNP rs1455174, ClinGen allele CA10634070.